The following is an entry in ClinVar:

NM_001002916.5(H2BW1):c.159C>T (p.Phe53=)

Gene: H2BW1 (H2B.W histone 1; minus strand). Cytogenetic location: Xq22.2.
Variant type: single nucleotide variant.
Coding change: c.159C>T on transcript NM_001002916.5 (MANE Select); coding-DNA position 159, C replaced by T.
Protein change: p.Phe53=; no amino-acid change (phenylalanine 53 retained).
Molecular consequence: synonymous variant.
Genome position (GRCh38, 1-based): chrX:104,013,418, G>A on the plus strand (C>T on the coding strand, the complement: H2BW1 is on the minus strand). VCF-style: chrX-104013418-G-A. GRCh37 (hg19) VCF-style: chrX-103267990-G-A.
Identifiers: ClinVar variation 3040005 (VCV003040005.2), dbSNP rs782087519, ClinGen allele CA10479261.
Genomic context (GRCh38, chrX:104,013,418, plus strand): 5'-CTCCCGGGAAAGGCTGAGGCCCTGGTGAACCTGCTTCAGCACCCGGCGGAAATAGGTGGC[G>A]AAGCTGTCCCCGCGGCAGTTGGAGTGGCACCTGCGGGGCCCATGGCGCCCTCGCTTCCTC-3'
Protein context (NP_001002916.4, residues 43-63): RCHSNCRGDS[Phe53=]ATYFRRVLKQ

ClinVar aggregate classification (germline): Likely benign (0 of 4 stars; one submission).

Conditions:
H2BW1-related disorder. Also called: H2BW1-related condition.

Allele frequency attached by ClinVar (database versions not stated): gnomAD exomes 0.00002; ExAC 0.00005; TOPMed 0.00007; gnomAD 0.00010; 1000 Genomes Project 0.00026; 1000 Genomes Project 30x 0.00042.
gnomAD v4.1: 36 of 1,211,053 alleles (0.003%); highest among the groups gnomAD compares: Middle Eastern, 0.023%; no homozygotes.

Submission:

PreventionGenetics, part of Exact Sciences
Classification: Likely benign for H2BW1-related condition. Last evaluated: 2019-09-23. Review status: no assertion criteria provided. Collection method: clinical testing. Allele origin: germline.
Comment: This variant is classified as likely benign based on ACMG/AMP sequence variant interpretation guidelines (Richards et al. 2015 PMID: 25741868, with internal and published modifications).